The following is an entry in ClinVar:

ClinVar aggregate classification (germline): Pathogenic (1 of 4 stars; one submission).

Conditions:
Hereditary cancer-predisposing syndrome. Also called: Neoplastic Syndromes, Hereditary; Tumor predisposition; Hereditary neoplastic syndrome; Hereditary Cancer Syndrome. Identifiers: Orphanet 140162, MedGen C0027672, MeSH D009386, MONDO:0015356.

Submission:

Ambry Genetics
Classification: Pathogenic for Hereditary cancer-predisposing syndrome. Last evaluated: 2023-03-03. Review status: criteria provided, single submitter. Criteria: Ambry Variant Classification Scheme 2023. Collection method: clinical testing. Allele origin: germline.
Comment: The c.5884_5887delATAG pathogenic mutation, located in coding exon 10 of the BRCA2 gene, results from a deletion of 4 nucleotides at nucleotide positions 5884 to 5887, causing a translational frameshift with a predicted alternate stop codon (p.I1962Gfs*41). This variant is considered to be rare based on population cohorts in the Genome Aggregation Database (gnomAD). This alteration is expected to result in loss of function by premature protein truncation or nonsense-mediated mRNA decay. As such, this alteration is interpreted as a disease-causing mutation.

NM_000059.4(BRCA2):c.5884_5887del (p.Ile1962fs)

Gene: BRCA2 (BRCA2 DNA repair associated; plus strand). Cytogenetic location: 13q13.1.
Variant type: Deletion.
Coding change: c.5884_5887del on transcript NM_000059.4 (MANE Select); coding-DNA positions 5884 to 5887, 4 bases deleted (ATAG; older notation c.5884_5887delATAG).
Protein change: p.Ile1962fs; shifts the reading frame from isoleucine 1962.
Molecular consequence: frameshift variant. On other transcripts: non-coding transcript variant (1), intron variant (2).
Genome position (GRCh38, 1-based): chr13:32,340,239-32,340,242, ATAG deleted. VCF-style (leftmost placement, unchanged base first): chr13-32340238-TATAG-T. GRCh37 (hg19) VCF-style: chr13-32914375-TATAG-T.
Other names: c.5884_5887del, p.Ile1962fs (NM_001406719.1, NM_001406720.1); c.1910-4319_1910-4316del (NM_001406721.1); c.425-4319_425-4316del (NM_001406722.1); short protein forms I1962fs.
Identifiers: ClinVar variation 2451564 (VCV002451564.2), dbSNP rs2548532006, ClinGen allele CA2580087782.
Genomic context (GRCh38, chr13:32,340,238, plus strand): 5'-AGTTTCTAAAATATCACCTTGTGATGTTAGTTTGGAAACTTCAGATATATGTAAATGTAG[TATAG>T]GGAAGCTTCATAAGTCAGTCTCATCTGCAAATACTTGTGGGATTTTTAGCACAGCAAGTG-3'